The following is an entry in ClinVar:

ClinVar aggregate classification (germline): Uncertain significance. Review status: criteria provided, multiple submitters, no conflicts (2 of 4 stars). 2 submissions from 2 submitters: Uncertain significance (2). Last evaluated 2024-02-21.

Conditions:
Inborn genetic diseases. Identifiers: MedGen C0950123, MeSH D030342.
Spastic ataxia 2. Also called: Ataxia, spastic, 2, autosomal recessive. Identifiers: Orphanet 397946, MedGen C1969796, MONDO:0012651, OMIM 611302.

Allele frequency attached by ClinVar (database versions not stated): 1000 Genomes Project 0.00020; gnomAD 0.00014; ExAC 0.00023; gnomAD exomes 0.00018; ESP Exome Variant Server 0.00008; 1000 Genomes Project 30x 0.00016; TOPMed 0.00026.
gnomAD v4.1: 214 of 1,580,570 alleles (0.014%); highest among the groups gnomAD compares: Admixed American, 0.04%; no homozygotes.

Submissions (2):

Ambry Genetics
Classification: Uncertain significance for Inborn genetic diseases. Last evaluated: 2024-02-21. Review status: criteria provided, single submitter. Criteria: Ambry Variant Classification Scheme 2023. Collection method: clinical testing. Allele origin: germline.

Labcorp Genetics (formerly Invitae), Labcorp
Classification: Uncertain significance for Spastic ataxia 2. Last evaluated: 2024-01-15. Review status: criteria provided, single submitter. Criteria: Invitae Variant Classification Sherloc (09022015). Collection method: clinical testing. Allele origin: germline.
Comment: This sequence change replaces alanine, which is neutral and non-polar, with valine, which is neutral and non-polar, at codon 1043 of the KIF1C protein (p.Ala1043Val). This variant is present in population databases (rs373541138, gnomAD 0.05%). This variant has not been reported in the literature in individuals affected with KIF1C-related conditions. ClinVar contains an entry for this variant (Variation ID: 654742). An algorithm developed to predict the effect of missense changes on protein structure and function (PolyPhen-2) suggests that this variant¬†is likely to be tolerated. In summary, the available evidence is currently insufficient to determine the role of this variant in disease. Therefore, it has been classified as a Variant of Uncertain Significance.

NM_006612.6(KIF1C):c.3128C>T (p.Ala1043Val)

Gene: KIF1C (kinesin family member 1C; plus strand). Cytogenetic location: 17p13.2.
Variant type: single nucleotide variant.
Coding change: c.3128C>T on transcript NM_006612.6 (MANE Select); coding-DNA position 3128, C replaced by T.
Protein change: p.Ala1043Val; replaces alanine 1043 with valine.
Molecular consequence: missense variant.
Genome position (GRCh38, 1-based): chr17:5,023,967, C>T. VCF-style: chr17-5023967-C-T. GRCh37 (hg19) VCF-style: chr17-4927262-C-T.
Other names: short protein forms A1043V.
Identifiers: ClinVar variation 654742 (VCV000654742.9), dbSNP rs373541138, ClinGen allele CA8319490.